The following is an entry in ClinVar:

ClinVar aggregate classification (germline): Uncertain significance (1 of 4 stars; one submission).

Conditions:
Atypical hemolytic-uremic syndrome. Identifiers: Orphanet 2134, MedGen C2931788, MONDO:0016244.

gnomAD v4.1: 6 of 1,606,348 alleles (0.00037%); highest among the groups gnomAD compares: Non-Finnish European, 0.00051%; no homozygotes.

Submission:

Genomenon, Inc
Classification: Uncertain significance for Atypical hemolytic-uremic syndrome. Last evaluated: 2025-10-02. Review status: criteria provided, single submitter. Criteria: Genomenon Sequence Variant Interpretation Standards. Collection method: curation. Allele origin: germline. Affected: no.
Comment: CD46 p.Thr163Ala (c.487A>G) is a missense variant that changes the amino acid at residue 163 from Threonine to Alanine. This variant has been reported in the published literature (PMID:10960475). It is absent or not present at a significant frequency in gnomAD. In silico models agree that this variant is not damaging. In conclusion, we classify CD46 p.Thr163Ala (c.487A>G) as a variant of uncertain significance.

Literature cited by the submitters: PubMed 10960475.

NM_172351.3(CD46):c.487A>G (p.Thr163Ala)

Gene: CD46 (CD46 molecule; plus strand). Cytogenetic location: 1q32.2.
Variant type: single nucleotide variant.
Coding change: c.487A>G on transcript NM_172351.3 (MANE Select); coding-DNA position 487, A replaced by G.
Protein change: p.Thr163Ala; replaces threonine 163 with alanine.
Molecular consequence: missense variant.
Genome position (GRCh38, 1-based): chr1:207,761,260, A>G. VCF-style: chr1-207761260-A-G. GRCh37 (hg19) VCF-style: chr1-207934605-A-G.
Other names: c.487A>G, p.Thr163Ala (NM_002389.4, NM_153826.4, NM_172350.3 and 8 more transcripts); short protein forms T163A.
Identifiers: ClinVar variation 4291280 (VCV004291280.1).